The following is an entry in ClinVar:

ClinVar aggregate classification (germline): Conflicting classifications of pathogenicity. Review status: criteria provided, conflicting classifications (1 of 4 stars). 4 submissions from 4 submitters: Likely pathogenic (1); Uncertain significance (3). Last evaluated 2024-12-19.

Conditions:
Neurofibromatosis, type 1 (NF1). Also called: Neurofibromatosis, type I; Peripheral type neurofibromatosis; VON RECKLINGHAUSEN DISEASE; NEUROFIBROMATOSIS, TYPE I, SOMATIC. Identifiers: Orphanet 636, MedGen C0027831, MONDO:0018975, OMIM 162200. Disease mechanism: loss of function.
Hereditary cancer-predisposing syndrome. Also called: Neoplastic Syndromes, Hereditary; Hereditary Cancer Syndrome; Hereditary neoplastic syndrome; Tumor predisposition. Identifiers: Orphanet 140162, MedGen C0027672, MeSH D009386, MONDO:0015356.
Cardiovascular phenotype. Identifiers: MedGen CN230736.

Submissions (4):

Genomic Medicine Center of Excellence, King Faisal Specialist Hospital and Research Centre
Classification: Likely pathogenic for Neurofibromatosis, type 1. Last evaluated: 2024-12-19. Review status: criteria provided, single submitter. Criteria: ACMG Guidelines, 2015. Collection method: clinical testing. Allele origin: germline.

Labcorp Genetics (formerly Invitae), Labcorp
Classification: Uncertain significance for Neurofibromatosis, type 1. Last evaluated: 2024-06-04. Review status: criteria provided, single submitter. Criteria: Invitae Variant Classification Sherloc (09022015). Collection method: clinical testing. Allele origin: germline.
Comment: This sequence change replaces leucine, which is neutral and non-polar, with proline, which is neutral and non-polar, at codon 2277 of the NF1 protein (p.Leu2277Pro). This variant is not present in population databases (gnomAD no frequency). This variant has not been reported in the literature in individuals affected with NF1-related conditions. ClinVar contains an entry for this variant (Variation ID: 826653). Advanced modeling of protein sequence and biophysical properties (such as structural, functional, and spatial information, amino acid conservation, physicochemical variation, residue mobility, and thermodynamic stability) performed at Invitae indicates that this missense variant is expected to disrupt NF1 protein function with a positive predictive value of 95%. In summary, the available evidence is currently insufficient to determine the role of this variant in disease. Therefore, it has been classified as a Variant of Uncertain Significance.

Genome-Nilou Lab
Classification: Uncertain significance for Neurofibromatosis, type 1. Last evaluated: 2022-03-15. Review status: criteria provided, single submitter. Criteria: ACMG Guidelines, 2015. Collection method: clinical testing. Allele origin: germline. Affected: no.

Ambry Genetics
Classification: Uncertain significance for Cardiovascular phenotype; Hereditary cancer-predisposing syndrome. Last evaluated: 2019-04-29. Review status: criteria provided, single submitter. Criteria: Ambry Variant Classification Scheme 2023. Collection method: clinical testing. Allele origin: germline.
Comment: The p.L2277P variant (also known as c.6830T>C), located in coding exon 45 of the NF1 gene, results from a T to C substitution at nucleotide position 6830. The leucine at codon 2277 is replaced by proline, an amino acid with similar properties. This amino acid position is highly conserved in available vertebrate species. In addition, this alteration is predicted to be deleterious by in silico analysis. Since supporting evidence is limited at this time, the clinical significance of this alteration remains unclear.

NM_001042492.3(NF1):c.6893T>C (p.Leu2298Pro)

Gene: NF1 (neurofibromin 1; plus strand). Cytogenetic location: 17q11.2.
Variant type: single nucleotide variant.
Coding change: c.6893T>C on transcript NM_001042492.3 (MANE Select); coding-DNA position 6893, T replaced by C.
Protein change: p.Leu2298Pro; replaces leucine 2298 with proline.
Molecular consequence: missense variant.
Genome position (GRCh38, 1-based): chr17:31,338,777, T>C. VCF-style: chr17-31338777-T-C. GRCh37 (hg19) VCF-style: chr17-29665795-T-C.
Other names: c.6830T>C, p.Leu2277Pro (NM_000267.4); short protein forms L2277P, L2298P.
Identifiers: ClinVar variation 826653 (VCV000826653.12), dbSNP rs1597846070, ClinGen allele CA399014398.